The following is an entry in ClinVar:

ClinVar aggregate classification (germline): Conflicting classifications of pathogenicity. Review status: criteria provided, conflicting classifications (1 of 4 stars). 5 submissions from 3 submitters: Uncertain significance (3); Likely benign (2). Last evaluated 2023-02-08.

Conditions:
Familial Mediterranean fever, autosomal dominant. Also called: Dominant Familial Mediterranean Fever; FMF, AUTOSOMAL DOMINANT. Identifiers: Orphanet 342, MedGen C1851347, MONDO:0007601, OMIM 134610.
Acute febrile neutrophilic dermatosis (AFND). Also called: Sweet Syndrome; Gomm Button disease. Identifiers: Orphanet 3243, MedGen C0085077, MONDO:0011959, OMIM 608068.
Familial Mediterranean fever (FMF). Also called: Periodic peritonitis; Benign paroxysmal peritonitis; POLYSEROSITIS, FAMILIAL PAROXYSMAL; POLYSEROSITIS, RECURRENT. Identifiers: Orphanet 342, MedGen C0031069, MONDO:0018088, OMIM 249100. Disease mechanism: gain of function.

Allele frequency attached by ClinVar (database versions not stated): gnomAD exomes below 0.00001.
gnomAD v4.1: 1 of 1,614,090 alleles (0.000062%); highest among the groups gnomAD compares: Non-Finnish European, 0.000085%; no homozygotes.

Submissions (5):

Genome-Nilou Lab
Classification: Uncertain significance for Familial Mediterranean fever. Last evaluated: 2023-02-08. Review status: criteria provided, single submitter. Criteria: ACMG Guidelines, 2015. Collection method: clinical testing. Allele origin: germline.

Genome-Nilou Lab
Classification: Likely benign for Familial Mediterranean fever, autosomal dominant. Last evaluated: 2023-02-08. Review status: criteria provided, single submitter. Criteria: ACMG Guidelines, 2015. Collection method: clinical testing. Allele origin: germline.

Genome-Nilou Lab
Classification: Likely benign for Acute febrile neutrophilic dermatosis. Last evaluated: 2023-02-08. Review status: criteria provided, single submitter. Criteria: ACMG Guidelines, 2015. Collection method: clinical testing. Allele origin: germline.

Institute of Human Genetics, University of Leipzig Medical Center
Classification: Uncertain significance for Familial Mediterranean fever, autosomal dominant. Last evaluated: 2021-10-08. Review status: criteria provided, single submitter. Criteria: ACMG Guidelines, 2015. Collection method: clinical testing. Allele origin: unknown. Affected: yes.
Comment: _x000D_ Criteria applied: PM2_SUP

Labcorp Genetics (formerly Invitae), Labcorp
Classification: Uncertain significance for Familial Mediterranean fever. Last evaluated: 2021-02-22. Review status: criteria provided, single submitter. Criteria: Invitae Variant Classification Sherloc (09022015). Collection method: clinical testing. Allele origin: germline.
Comment: In summary, the available evidence is currently insufficient to determine the role of this variant in disease. Therefore, it has been classified as a Variant of Uncertain Significance. This sequence change replaces glycine with arginine at codon 763 of the MEFV protein (p.Gly763Arg). The glycine residue is moderately conserved and there is a moderate physicochemical difference between glycine and arginine. This variant is not present in population databases (ExAC no frequency). This variant has not been reported in the literature in individuals with MEFV-related conditions. Algorithms developed to predict the effect of missense changes on protein structure and function output the following: SIFT: "Tolerated"; PolyPhen-2: "Benign"; Align-GVGD: "Class C0". The arginine amino acid residue is found in multiple mammalian species, suggesting that this missense change does not adversely affect protein function. These predictions have not been confirmed by published functional studies and their clinical significance is uncertain.

NM_000243.3(MEFV):c.2287G>A (p.Gly763Arg)

Gene: MEFV (MEFV innate immunity regulator, pyrin; minus strand). Cytogenetic location: 16p13.3.
Variant type: single nucleotide variant.
Coding change: c.2287G>A on transcript NM_000243.3 (MANE Select); coding-DNA position 2287, G replaced by A.
Protein change: p.Gly763Arg; replaces glycine 763 with arginine.
Molecular consequence: missense variant. On other transcripts: 3 prime UTR variant (1).
Genome position (GRCh38, 1-based): chr16:3,243,200, C>T on the plus strand (G>A on the coding strand, the complement: MEFV is on the minus strand). VCF-style: chr16-3243200-C-T. GRCh37 (hg19) VCF-style: chr16-3293200-C-T.
Other names: c.*491G>A (NM_001198536.2); short protein forms G763R.
Identifiers: ClinVar variation 1325704 (VCV001325704.9), dbSNP rs2141664466, ClinGen allele CA394484611.